The following is an entry in ClinVar:

NM_001267550.2(TTN):c.69241_69242del (p.Glu23081fs)

Genes: TTN (titin; minus strand), TTN-AS1 (TTN antisense RNA 1; plus strand). Cytogenetic location: 2q31.2.
Variant type: Microsatellite.
Coding change: c.69241_69242del on transcript NM_001267550.2 (MANE Select); coding-DNA positions 69241 to 69242, 2 bases deleted (GA; older notation c.69241_69242delGA).
Protein change: p.Glu23081fs; shifts the reading frame from glutamic acid 23081.
Molecular consequence: frameshift variant.
Genome position (GRCh38, 1-based): chr2:178,577,093-178,577,094, TC deleted on the plus strand (GA on the coding strand, the reverse complement: TTN is on the minus strand); deleting any 2 consecutive bases within chr2:178,577,093-178,577,099 gives the same sequence; the c. name uses the placement nearest the transcript's 3' end. VCF-style (leftmost placement, unchanged base first): chr2-178577092-TTC-T. GRCh37 (hg19) VCF-style: chr2-179441819-TTC-T.
Other names: c.69241_69242delGA (NM_001267550.2); c.64318_64319del, p.Glu21440fs (NM_001256850.1); c.42046_42047del, p.Glu14016fs (NM_003319.4); c.61537_61538del, p.Glu20513fs (NM_133378.4); c.42421_42422del, p.Glu14141fs (NM_133432.3); c.42622_42623del, p.Glu14208fs (NM_133437.4); short protein forms E14141fs, E20513fs, E14016fs, E23081fs, E14208fs, E21440fs.
Identifiers: ClinVar variation 646039 (VCV000646039.9), dbSNP rs1575826940, ClinGen allele CA915942156.
Genomic context (GRCh38, chr2:178,577,092, plus strand): 5'-TGCCACATGCCTGCAAGACTGAATATCTTCAGAAACCACTGTCCACAAAAGTCGGCTGGT[TTC>T]TCTCTTTTCAAGTATATAGGACTTAATTGGTGAGCCGCCATCTTCCAAGGGAGGTGTCCA-3'

ClinVar aggregate classification (germline): Likely pathogenic (1 of 4 stars; one submission).

Conditions:
Dilated cardiomyopathy 1G (CMD1G). Identifiers: Orphanet 154, MedGen C1858763, MONDO:0011400, OMIM 604145.
Autosomal recessive limb-girdle muscular dystrophy type 2J (LGMDR10). Also called: Limb-girdle muscular dystrophy, type 2J; MUSCULAR DYSTROPHY, LIMB-GIRDLE, AUTOSOMAL RECESSIVE 10. Identifiers: Orphanet 140922, MedGen C1837342, MONDO:0012127, OMIM 608807.

Submission:

Labcorp Genetics (formerly Invitae), Labcorp
Classification: Likely pathogenic for Dilated cardiomyopathy 1G; Autosomal recessive limb-girdle muscular dystrophy type 2J. Last evaluated: 2020-09-15. Review status: criteria provided, single submitter. Criteria: Invitae Variant Classification Sherloc (09022015). Collection method: clinical testing. Allele origin: germline.
Comment: This sequence change results in a premature translational stop signal in the TTN gene (p.Glu23081Asnfs*11). While this is not anticipated to result in nonsense mediated decay, it is expected to create a truncated TTN protein. This variant has not been reported in the literature in individuals with TTN-related disease. In summary, the currently available evidence indicates that the variant is pathogenic, but additional data are needed to prove that conclusively. Therefore, this variant has been classified as Likely Pathogenic. This variant is located in the A band of TTN (PMID: 25589632). Truncating variants in this region are significantly overrepresented in patients affected with dilated cardiomyopathy (PMID: 25589632). Truncating variants in this region have also been reported in individuals affected with autosomal recessive centronuclear myopathy (PMID: 23975875). This variant is not present in population databases (ExAC no frequency).

Literature cited by the submitters: PubMed 25589632; PubMed 23975875.